The following is an entry in ClinVar:

NM_001244008.2(KIF1A):c.3203-8C>T

Gene: KIF1A (kinesin family member 1A; minus strand). Cytogenetic location: 2q37.3.
Variant type: single nucleotide variant.
Coding change: c.3203-8C>T on transcript NM_001244008.2 (MANE Select); 8 bases into the intron before coding-DNA position 3203, C replaced by T.
Molecular consequence: intron variant.
Genome position (GRCh38, 1-based): chr2:240,745,917, G>A on the plus strand (C>T on the coding strand, the complement: KIF1A is on the minus strand). VCF-style: chr2-240745917-G-A. GRCh37 (hg19) VCF-style: chr2-241685334-G-A.
Other names: c.2900-8C>T (NM_001379653.1, NM_001379650.1, NM_001379641.1 and 5 more transcripts); c.3176-8C>T (NM_001379645.1, NM_001379633.1, NM_001379642.1); c.3002-8C>T (NM_001379635.1, NM_001330290.2, NM_001379646.1 and 1 more transcripts); c.2900-11C>T (NM_001379640.1); c.3152-8C>T (NM_001379632.1); c.2975-8C>T (NM_001379637.1, NM_001379648.1); c.2927-8C>T (NM_001320705.2, NM_001379638.1, NM_001330289.2); c.3278-8C>T (NM_001379631.1).
Identifiers: ClinVar variation 1647570 (VCV001647570.28), dbSNP rs778217414, ClinGen allele CA2207868.

ClinVar aggregate classification (germline): Conflicting classifications of pathogenicity. Review status: criteria provided, conflicting classifications (1 of 4 stars). 2 submissions from 2 submitters: Uncertain significance (1); Likely benign (1). Last evaluated 2025-04-02.

Conditions:
Neuropathy, hereditary sensory, type 2C. Also called: Hereditary sensory and autonomic neuropathy type IIC; KIF1A-Related HSAN2 (HSAN2C). Identifiers: Orphanet 970, MedGen C3280168, MONDO:0013634, OMIM 614213.
Intellectual disability, autosomal dominant 9 (NESCAVS). Also called: NESCAV SYNDROME; KIF1A-Related Neurodevelopmental Disorder. Identifiers: Orphanet 662367, MedGen C5393830, MONDO:0013656, OMIM 614255.
Hereditary spastic paraplegia 30. Identifiers: Orphanet 101010, MedGen C5235139, MONDO:0012476.

Allele frequency attached by ClinVar (database versions not stated): TOPMed below 0.00001; ExAC 0.00001; gnomAD exomes 0.00001.
gnomAD v4.1: 5 of 1,598,076 alleles (0.00031%); highest among the groups gnomAD compares: East Asian, 0.0022%; no homozygotes.

Submissions (2):

Labcorp Genetics (formerly Invitae), Labcorp
Classification: Likely benign for Hereditary spastic paraplegia 30; Neuropathy, hereditary sensory, type 2C; Intellectual disability, autosomal dominant 9. Last evaluated: 2025-04-02. Review status: criteria provided, single submitter. Criteria: Invitae Variant Classification Sherloc (09022015). Collection method: clinical testing. Allele origin: germline.

CeGaT Center for Human Genetics Tuebingen
Classification: Uncertain significance. Last evaluated: 2024-05-01. Review status: criteria provided, single submitter. Criteria: CeGaT Center For Human Genetics Tuebingen Variant Classification Criteria Version 2. Collection method: clinical testing. Allele origin: germline. Affected: yes. Observed: 2 variant alleles.
Comment: KIF1A: PM2, BP4